The following is an entry in ClinVar:

NM_014363.6(SACS):c.12007C>T (p.Gln4003Ter)

Gene: SACS (sacsin molecular chaperone; minus strand). Cytogenetic location: 13q12.12.
Variant type: single nucleotide variant.
Coding change: c.12007C>T on transcript NM_014363.6 (MANE Select); coding-DNA position 12007, C replaced by T.
Protein change: p.Gln4003Ter; replaces glutamine 4003 with a stop codon.
Molecular consequence: nonsense.
Genome position (GRCh38, 1-based): chr13:23,331,869, G>A on the plus strand (C>T on the coding strand, the complement: SACS is on the minus strand). VCF-style: chr13-23331869-G-A. GRCh37 (hg19) VCF-style: chr13-23906008-G-A.
Other names: c.11566C>T, p.Gln3856Ter (NM_001278055.2); c.12007C>T (NM_014363.5); short protein forms Q3856*, Q4003*.
Identifiers: ClinVar variation 2833121 (VCV002833121.4), dbSNP rs2542161182, ClinGen allele CA387508700.

ClinVar aggregate classification (germline): Pathogenic/Likely pathogenic. Review status: criteria provided, multiple submitters, no conflicts (2 of 4 stars). 2 submissions from 2 submitters: Pathogenic (1); Likely pathogenic (1). Last evaluated 2025-11-06.

Conditions:
Spastic paraplegia. Identifiers: MedGen C0037772, HP:0001258.
Charlevoix-Saguenay spastic ataxia (SACS). Also called: SPASTIC ATAXIA 6, AUTOSOMAL RECESSIVE; AUTOSOMAL RECESSIVE SPASTIC ATAXIA OF CHARLEVOIX-SAGUENAY; Spastic ataxia of Charlevoix-Saguenay. Identifiers: Orphanet 98, MedGen C1849140, MONDO:0010041, OMIM 270550.

Allele frequency attached by ClinVar (database versions not stated): gnomAD exomes below 0.00001.
gnomAD v4.1: 2 of 1,613,986 alleles (0.00012%); highest among the groups gnomAD compares: Non-Finnish European, 0.00017%; no homozygotes.

Submissions (2):

Natera, Inc.
Classification: Likely pathogenic for Charlevoix-Saguenay type spastic ataxia. Last evaluated: 2025-11-06. Review status: criteria provided, single submitter. Criteria: Natera Variant Classification Schema (03/2026). Collection method: clinical testing. Allele origin: germline.
Comment: The c.12007C>T variant in SACS is a nonsense variant predicted to introduce a stop codon at amino acid 4003. This variant is expected to result in nonsense mediated decay, truncation, or a dysfunctional protein product. This variant is rare in the general population with a frequency below the threshold expected for the associated phenotype(s). Given the available evidence, this variant is classified as Likely Pathogenic.

Labcorp Genetics (formerly Invitae), Labcorp
Classification: Pathogenic for Spastic paraplegia. Last evaluated: 2023-01-31. Review status: criteria provided, single submitter. Criteria: Invitae Variant Classification Sherloc (09022015). Collection method: clinical testing. Allele origin: germline.
Comment: This sequence change creates a premature translational stop signal (p.Gln4003*) in the SACS gene. While this is not anticipated to result in nonsense mediated decay, it is expected to disrupt the last 577 amino acid(s) of the SACS protein. This variant is not present in population databases (gnomAD no frequency). This variant has not been reported in the literature in individuals affected with SACS-related conditions. This variant disrupts a region of the SACS protein in which other variant(s) (p.Asn4549Asp) have been determined to be pathogenic (PMID: 15156359, 21507954). This suggests that this is a clinically significant region of the protein, and that variants that disrupt it are likely to be disease-causing. For these reasons, this variant has been classified as Pathogenic.

Literature cited by the submitters: PubMed 15156359 (cited by Labcorp Genetics (formerly Invitae), Labcorp); PubMed 21507954 (cited by Labcorp Genetics (formerly Invitae), Labcorp).